The following is an entry in ClinVar:

NM_021116.4(ADCY1):c.2817+5G>A

Gene: ADCY1 (adenylate cyclase 1; plus strand). Cytogenetic location: 7p12.3.
Variant type: single nucleotide variant.
Coding change: c.2817+5G>A on transcript NM_021116.4 (MANE Select); 5 bases into the intron after coding-DNA position 2817, G replaced by A.
Molecular consequence: intron variant.
Genome position (GRCh38, 1-based): chr7:45,704,621, G>A. VCF-style: chr7-45704621-G-A. GRCh37 (hg19) VCF-style: chr7-45744220-G-A.
Identifiers: ClinVar variation 666786 (VCV000666786.4), dbSNP rs1584344150, ClinGen allele CA915944924.
Genomic context (GRCh38, chr7:45,704,621, plus strand): 5'-CCATCGGGAGCACCTACATGGCCGCTGTGGGGCTAGCGCCCACCTCGGGGACCAAGGTGA[G>A]TGCAGCCTGGCGCTGCCTGCTTGGGGACTGGGTCCAAGCTCTGCCCTAAACTGCTCTGGG-3'

ClinVar aggregate classification (germline): Uncertain significance (1 of 4 stars; one submission).

Submission:

Laboratory for Molecular Medicine, Mass General Brigham Personalized Medicine
Classification: Uncertain significance. Last evaluated: 2018-02-26. Review status: criteria provided, single submitter. Criteria: LMM Criteria. Collection method: clinical testing. Allele origin: germline. Observed: 1 variant allele.
Comment: The c.2817+5G>A variant in ADCY1 has not been previously reported in individuals with hearing loss and was absent from large population studies. This variant is located in the 3' splice region. Computational tools suggest a modest impact to splicing; however, this information is not predictive enough to determine patho genicity. In summary, the clinical significance of the c.2817+5G>A variant is un certain. ACMG/AMP Criteria applied: PM2.